The following is an entry in ClinVar:

NM_014639.4(SKIC3):c.643-2A>G

Gene: SKIC3 (SKI3 subunit of superkiller complex; minus strand). Cytogenetic location: 5q15.
Variant type: single nucleotide variant.
Coding change: c.643-2A>G on transcript NM_014639.4 (MANE Select); the canonical splice acceptor site of the intron before coding-DNA position 643, A replaced by G.
Molecular consequence: splice acceptor variant.
Genome position (GRCh38, 1-based): chr5:95,536,927, T>C on the plus strand (A>G on the coding strand, the complement: SKIC3 is on the minus strand). VCF-style: chr5-95536927-T-C. GRCh37 (hg19) VCF-style: chr5-94872631-T-C.
Identifiers: ClinVar variation 2910192 (VCV002910192.4), dbSNP rs771111803, ClinGen allele CA3347557.

ClinVar aggregate classification (germline): Likely pathogenic (1 of 4 stars; one submission).

Allele frequency attached by ClinVar (database versions not stated): gnomAD exomes below 0.00001; ExAC 0.00001.
gnomAD v4.1: 4 of 1,613,320 alleles (0.00025%); highest among the groups gnomAD compares: East Asian, 0.0022%; no homozygotes.

Submissions (2):

Labcorp Genetics (formerly Invitae), Labcorp
Classification: Likely pathogenic. Last evaluated: 2023-09-21. Review status: criteria provided, single submitter. Criteria: Invitae Variant Classification Sherloc (09022015). Collection method: clinical testing. Allele origin: germline.
Comment: In summary, the currently available evidence indicates that the variant is pathogenic, but additional data are needed to prove that conclusively. Therefore, this variant has been classified as Likely Pathogenic. Algorithms developed to predict the effect of sequence changes on RNA splicing suggest that this variant may disrupt the consensus splice site. Disruption of this splice site has been observed in individual(s) with trichohepatoenteric syndrome (PMID: 29527791). This variant is present in population databases (rs771111803, gnomAD 0.01%). This sequence change affects an acceptor splice site in intron 9 of the TTC37 gene. It is expected to disrupt RNA splicing. Variants that disrupt the donor or acceptor splice site typically lead to a loss of protein function (PMID: 16199547), and loss-of-function variants in TTC37 are known to be pathogenic (PMID: 20176027, 21120949).

Dr. Peter K. Rogan Lab, Western University
No classification provided (evidence only). Condition: Thyroid cancer, nonmedullary, 1. Review status: no classification provided. Collection method: in vitro. Allele origin: not applicable. Functional consequence: retained intron. Not counted in ClinVar's aggregate classification.

Literature cited by the submitters: PubMed 29527791 (cited by Labcorp Genetics (formerly Invitae), Labcorp); PubMed 16199547 (cited by Labcorp Genetics (formerly Invitae), Labcorp); PubMed 20176027 (cited by Labcorp Genetics (formerly Invitae), Labcorp); PubMed 21120949 (cited by Labcorp Genetics (formerly Invitae), Labcorp).